The following is an entry in ClinVar:

NM_006267.5(RANBP2):c.6499A>G (p.Ile2167Val)

Gene: RANBP2 (RAN binding protein 2; plus strand). Cytogenetic location: 2q13.
Variant type: single nucleotide variant.
Coding change: c.6499A>G on transcript NM_006267.5 (MANE Select); coding-DNA position 6499, A replaced by G.
Protein change: p.Ile2167Val; replaces isoleucine 2167 with valine.
Molecular consequence: missense variant.
Genome position (GRCh38, 1-based): chr2:108,767,038, A>G. VCF-style: chr2-108767038-A-G. GRCh37 (hg19) VCF-style: chr2-109383494-A-G.
Other names: short protein forms I2167V.
Identifiers: ClinVar variation 840362 (VCV000840362.11), dbSNP rs1677164442, ClinGen allele CA348075612.
Genomic context (GRCh38, chr2:108,767,038, plus strand): 5'-TTAGACATACCACTTCAAACTCCCCATAAACTTGTAGATACTGGCAGAGCTGCCAAGTTA[A>G]TACAGAGAGCTGAAGAAATGAAGAGTGGACTGAAAGATTTCAAAACATTTTTGACAAATG-3'
Protein context (NP_006258.3, residues 2157-2177): LVDTGRAAKL[Ile2167Val]QRAEEMKSGL

ClinVar aggregate classification (germline): Uncertain significance (1 of 4 stars; one submission).

Conditions:
Familial acute necrotizing encephalopathy (IIAE3). Also called: ENCEPHALOPATHY, ACUTE, INFECTION-INDUCED, SUSCEPTIBILITY TO, 3; Susceptibility to Acute Necrotizing Encephalopathy 1. Identifiers: Orphanet 88619, MedGen C2675556, MONDO:0011953, OMIM 608033.

Allele frequency attached by ClinVar (database versions not stated): gnomAD exomes below 0.00001; TOPMed 0.00001.
gnomAD v4.1: 2 of 1,610,988 alleles (0.00012%); highest among the groups gnomAD compares: Non-Finnish European, 0.00017%; no homozygotes.

Submission:

Labcorp Genetics (formerly Invitae), Labcorp
Classification: Uncertain significance for Familial acute necrotizing encephalopathy. Last evaluated: 2019-12-30. Review status: criteria provided, single submitter. Criteria: Invitae Variant Classification Sherloc (09022015). Collection method: clinical testing. Allele origin: germline.
Comment: In summary, the available evidence is currently insufficient to determine the role of this variant in disease. Therefore, it has been classified as a Variant of Uncertain Significance. Algorithms developed to predict the effect of missense changes on protein structure and function (SIFT, PolyPhen-2, Align-GVGD) all suggest that this variant is likely to be disruptive, but these predictions have not been confirmed by published functional studies and their clinical significance is uncertain. This variant has not been reported in the literature in individuals with RANBP2-related conditions. This variant is not present in population databases (ExAC no frequency). This sequence change replaces isoleucine with valine at codon 2167 of the RANBP2 protein (p.Ile2167Val). The isoleucine residue is highly conserved and there is a small physicochemical difference between isoleucine and valine.